The following is an entry in ClinVar:

NM_199242.3(UNC13D):c.622G>T (p.Asp208Tyr)

Gene: UNC13D (unc-13 homolog D; minus strand). Cytogenetic location: 17q25.1.
Variant type: single nucleotide variant.
Coding change: c.622G>T on transcript NM_199242.3 (MANE Select); coding-DNA position 622, G replaced by T.
Protein change: p.Asp208Tyr; replaces aspartic acid 208 with tyrosine.
Molecular consequence: missense variant.
Genome position (GRCh38, 1-based): chr17:75,840,823, C>A on the plus strand (G>T on the coding strand, the complement: UNC13D is on the minus strand). VCF-style: chr17-75840823-C-A. GRCh37 (hg19) VCF-style: chr17-73836904-C-A.
Other names: short protein forms D208Y.
Identifiers: ClinVar variation 1394757 (VCV001394757.8), dbSNP rs2143894092, ClinGen allele CA401111574.

ClinVar aggregate classification (germline): Uncertain significance (1 of 4 stars; one submission).

Conditions:
Familial hemophagocytic lymphohistiocytosis 3 (FHL3). Also called: UNC13D-Related Familial Hemophagocytic Lymphohistiocytosis (UNC13D-fHLH). Identifiers: Orphanet 540, MedGen C1837174, MONDO:0012146, OMIM 608898.

Submission:

Labcorp Genetics (formerly Invitae), Labcorp
Classification: Uncertain significance for Familial hemophagocytic lymphohistiocytosis 3. Last evaluated: 2022-02-10. Review status: criteria provided, single submitter. Criteria: Invitae Variant Classification Sherloc (09022015). Collection method: clinical testing. Allele origin: germline.
Comment: This variant is not present in population databases (gnomAD no frequency). This sequence change replaces aspartic acid, which is acidic and polar, with tyrosine, which is neutral and polar, at codon 208 of the UNC13D protein (p.Asp208Tyr). This variant has not been reported in the literature in individuals affected with UNC13D-related conditions. In summary, the available evidence is currently insufficient to determine the role of this variant in disease. Therefore, it has been classified as a Variant of Uncertain Significance. Algorithms developed to predict the effect of missense changes on protein structure and function are either unavailable or do not agree on the potential impact of this missense change (SIFT: "Not Available"; PolyPhen-2: "Probably Damaging"; Align-GVGD: "Not Available").